The following is an entry in ClinVar:

NM_174936.4(PCSK9):c.80G>T (p.Gly27Val)

Gene: PCSK9 (proprotein convertase subtilisin/kexin type 9; plus strand). Cytogenetic location: 1p32.3.
Variant type: single nucleotide variant.
Coding change: c.80G>T on transcript NM_174936.4 (MANE Select); coding-DNA position 80, G replaced by T.
Protein change: p.Gly27Val; replaces glycine 27 with valine.
Molecular consequence: missense variant. On other transcripts: 5 prime UTR variant (1), non-coding transcript variant (8).
Genome position (GRCh38, 1-based): chr1:55,039,917, G>T. VCF-style: chr1-55039917-G-T. GRCh37 (hg19) VCF-style: chr1-55505590-G-T.
Other names: c.80G>T, p.Gly27Val (NM_001407240.1, NM_001407241.1, NM_001407242.1 and 4 more transcripts); c.-655G>T (NM_001407246.1); short protein forms G27V.
Identifiers: ClinVar variation 3415991 (VCV003415991.1).
Genomic context (GRCh38, chr1:55,039,917, plus strand): 5'-GGCGGTCCTGGTGGCCGCTGCCACTGCTGCTGCTGCTGCTGCTGCTCCTGGGTCCCGCGG[G>T]CGCCCGTGCGCAGGAGGACGAGGACGGCGACTACGAGGAGCTGGTGCTAGCCTTGCGTTC-3'
Protein context (NP_777596.2, residues 17-37): LLLLLLLGPA[Gly27Val]ARAQEDEDGD

ClinVar aggregate classification (germline): Uncertain significance (1 of 4 stars; one submission).

Conditions:
Cardiovascular phenotype. Identifiers: MedGen CN230736.

Submission:

Ambry Genetics
Classification: Uncertain significance for Cardiovascular phenotype. Last evaluated: 2024-10-04. Review status: criteria provided, single submitter. Criteria: Ambry Variant Classification Scheme 2023. Collection method: clinical testing. Allele origin: germline.
Comment: The p.G27V variant (also known as c.80G>T), located in coding exon 1 of the PCSK9 gene, results from a G to T substitution at nucleotide position 80. The glycine at codon 27 is replaced by valine, an amino acid with dissimilar properties. This amino acid position is conserved. In addition, this alteration is predicted to be tolerated by in silico analysis. Based on the available evidence, the clinical significance of this variant remains unclear.